The following is an entry in ClinVar:

ClinVar aggregate classification (germline): Uncertain significance (1 of 4 stars; one submission).

Submission:

GeneDx
Classification: Uncertain significance. Last evaluated: 2021-03-27. Review status: criteria provided, single submitter. Criteria: GeneDx Variant Classification Process June 2021. Collection method: clinical testing. Allele origin: germline. Affected: yes.
Comment: Not observed in large population cohorts (Lek et al., 2016); In silico analysis supports that this missense variant has a deleterious effect on protein structure/function; Has not been previously published as pathogenic or benign to our knowledge

NM_003047.5(SLC9A1):c.265T>A (p.Phe89Ile)

Gene: SLC9A1 (solute carrier family 9 member A1; minus strand). Cytogenetic location: 1p36.11.
Variant type: single nucleotide variant.
Coding change: c.265T>A on transcript NM_003047.5 (MANE Select); coding-DNA position 265, T replaced by A.
Protein change: p.Phe89Ile; replaces phenylalanine 89 with isoleucine.
Molecular consequence: missense variant. On other transcripts: non-coding transcript variant (1).
Genome position (GRCh38, 1-based): chr1:27,154,070, A>T on the plus strand (T>A on the coding strand, the complement: SLC9A1 is on the minus strand). VCF-style: chr1-27154070-A-T. GRCh37 (hg19) VCF-style: chr1-27480561-A-T.
Other names: short protein forms F89I.
Identifiers: ClinVar variation 1314208 (VCV001314208.2), dbSNP rs2124224328, ClinGen allele CA339265461.
Genomic context (GRCh38, chr1:27,154,070, plus strand): 5'-TCCAGAGGGAGATCTCGAAGGGGGTGCGCACGTGTGTGTAGTCGATGCCCAGGACTGGAA[A>T]GGCCTTGCGCGGCTTCATGCCATGATCAGTGACGGAATGATTAACAGGGCGGCTCTCTGG-3'
Protein context (NP_003038.2, residues 79-99): TDHGMKPRKA[Phe89Ile]PVLGIDYTHV